The following is an entry in ClinVar:

Single allele

Genes: PSG1 (pregnancy specific beta-1-glycoprotein 1; minus strand), PSG11 (pregnancy specific beta-1-glycoprotein 11; minus strand), PSG6 (pregnancy specific beta-1-glycoprotein 6; minus strand), PSG7 (pregnancy specific beta-1-glycoprotein 7; minus strand). Cytogenetic location: 19q13.2-13.31.
Variant type: Deletion.
Identifiers: ClinVar variation 157448 (VCV000157448.2).

ClinVar aggregate classification (germline): not provided (0 of 4 stars; one submission).

Conditions:
Normal pregnancy. Identifiers: MedGen C0232989.

Submission:

Institute of Molecular and Cell Biology, University of Tartu
No classification provided. Condition: Normal pregnancy. Review status: no classification provided. Collection method: case-control. Allele origin: unknown. Affected: yes. Study: Kasak2014.
Comment: The study aimed to determine the contribution of copy number variants in the genetic etiology of normal and complicated pregnancies. The samples represented (i) maternal blood DNA drawn from healthy pregnant women during 1st or 2nd trimester and (ii) maternal and paternal blood DNA drawn at term pregnancy cases representing normal and complicated gestations (severe preeclampsia, PE; gestational diabetes, GD; small-for-gestational age newborn, SGA; large-for-gestational age newborn, LGA). We performed CNV calling based on genome-wide genotyping dataset (Illumina HumanOmniExpress-24-v1 BeadChip) by applying three algorithms, QuantiSNP, GADA (Genome Alteration Detection Algorithm) and CNstream in parallel. The acquired CNV calls were merged with HD-CNV (Hotspot Detector for Copy Number Variants) program and only the CNVs predicted by at least two programs, were considered in subsequent analysis.

Literature cited by the submitters: PubMed 25666259.